The following is an entry in ClinVar:

ClinVar aggregate classification (germline): Likely pathogenic (1 of 4 stars; one submission).

Submission:

Labcorp Genetics (formerly Invitae), Labcorp
Classification: Likely pathogenic. Last evaluated: 2020-12-28. Review status: criteria provided, single submitter. Criteria: Invitae Variant Classification Sherloc (09022015). Collection method: clinical testing. Allele origin: germline.
Comment: This variant results in a copy number gain of the genomic region encompassing exon(s) 17-20 of the ELP1 gene. While the exact position of this variant cannot be determined from the data, sub-genic copy number gains are generally in tandem (PMID: 25640679). This variant is predicted to be out-of-frame, and may result in an absent or disrupted protein product. This variant has not been reported in the literature in individuals with ELP1-related conditions. Loss-of-function variants in ELP1 are known to be pathogenic (PMID: 18303054, 24173031). In summary, the currently available evidence indicates that the variant is pathogenic, but additional data are needed to prove that conclusively. Therefore, this variant has been classified as Likely Pathogenic.

Literature cited by the submitters: PubMed 25640679; PubMed 18303054; PubMed 24173031.

NC_000009.11:g.(?_111662092)_(111663971_?)dup

Gene: ELP1 (elongator acetyltransferase complex subunit 1; minus strand). Cytogenetic location: 9q31.3.
Variant type: Duplication.
Identifiers: ClinVar variation 1067762 (VCV001067762.4).